The following is an entry in ClinVar:

NM_206937.2(LIG4):c.666A>C (p.Glu222Asp)

Gene: LIG4 (DNA ligase 4; minus strand). Cytogenetic location: 13q33.3.
Variant type: single nucleotide variant.
Coding change: c.666A>C on transcript NM_206937.2 (MANE Select); coding-DNA position 666, A replaced by C.
Protein change: p.Glu222Asp; replaces glutamic acid 222 with aspartic acid.
Molecular consequence: missense variant.
Genome position (GRCh38, 1-based): chr13:108,210,603, T>G on the plus strand (A>C on the coding strand, the complement: LIG4 is on the minus strand). VCF-style: chr13-108210603-T-G. GRCh37 (hg19) VCF-style: chr13-108862951-T-G.
Other names: c.666A>C, p.Glu222Asp (NM_001098268.2, NM_001352598.2, NM_001352599.2 and 6 more transcripts); c.465A>C, p.Glu155Asp (NM_001330595.2); c.702A>C, p.Glu234Asp (NM_001352604.2); short protein forms E155D, E222D, E234D.
Identifiers: ClinVar variation 2110650 (VCV002110650.4), dbSNP rs2501618947, ClinGen allele CA388621020.
Genomic context (GRCh38, chr13:108,210,603, plus strand): 5'-TAAAGTGATAGAAATATCACTGAGTCCTACAGAAGGATCATGCAGTTGCCTACAGACTTT[T>G]TCCAGATCTGTAGTGACATTATGCAACTCAGCAGCATCATTATGAAAAACAGAAAAGATA-3'
Protein context (NP_996820.1, residues 212-232): AELHNVTTDL[Glu222Asp]KVCRQLHDPS

ClinVar aggregate classification (germline): Uncertain significance (1 of 4 stars; one submission).

Conditions:
DNA ligase IV deficiency. Identifiers: Orphanet 99812, MedGen C1847827, MONDO:0011686, OMIM 606593.

Submission:

Labcorp Genetics (formerly Invitae), Labcorp
Classification: Uncertain significance for DNA ligase IV deficiency. Last evaluated: 2022-03-13. Review status: criteria provided, single submitter. Criteria: Invitae Variant Classification Sherloc (09022015). Collection method: clinical testing. Allele origin: germline.
Comment: In summary, the available evidence is currently insufficient to determine the role of this variant in disease. Therefore, it has been classified as a Variant of Uncertain Significance. Algorithms developed to predict the effect of missense changes on protein structure and function (SIFT, PolyPhen-2, Align-GVGD) all suggest that this variant is likely to be tolerated. This variant has not been reported in the literature in individuals affected with LIG4-related conditions. This variant is not present in population databases (gnomAD no frequency). This sequence change replaces glutamic acid, which is acidic and polar, with aspartic acid, which is acidic and polar, at codon 222 of the LIG4 protein (p.Glu222Asp).